The following is an entry in ClinVar:

ClinVar aggregate classification (germline): Likely pathogenic (1 of 4 stars; one submission).

Submission:

GeneDx
Classification: Likely pathogenic. Last evaluated: 2026-02-24. Review status: criteria provided, single submitter. Criteria: GeneDx Variant Classification Process June 2021. Collection method: clinical testing. Allele origin: germline.
Comment: Not observed at significant frequency in large population cohorts (gnomAD); In silico analysis supports that this missense variant has a deleterious effect on protein structure/function; Has not been previously published as pathogenic or benign to our knowledge

NM_000207.3(INS):c.129C>G (p.Cys43Trp)

Genes: INS (insulin; minus strand), INS-IGF2 (INS-IGF2 readthrough; minus strand). Cytogenetic location: 11p15.5.
Variant type: single nucleotide variant.
Coding change: c.129C>G on transcript NM_000207.3 (MANE Select); coding-DNA position 129, C replaced by G.
Protein change: p.Cys43Trp; replaces cysteine 43 with tryptophan.
Molecular consequence: missense variant. On other transcripts: non-coding transcript variant (1).
Genome position (GRCh38, 1-based): chr11:2,160,843, G>C on the plus strand (C>G on the coding strand, the complement: INS is on the minus strand). VCF-style: chr11-2160843-G-C. GRCh37 (hg19) VCF-style: chr11-2182073-G-C.
Other names: c.129C>G, p.Cys43Trp (NM_001185097.2, NM_001185098.2, NM_001291897.2 and 1 more transcripts); short protein forms C43W.
Identifiers: ClinVar variation 3773933 (VCV003773933.2).